The following is an entry in ClinVar:

NM_024753.5(TTC21B):c.1126_1127insGT (p.Asp376fs)

Gene: TTC21B (tetratricopeptide repeat domain 21B; minus strand). Cytogenetic location: 2q24.3.
Variant type: Insertion.
Coding change: c.1126_1127insGT on transcript NM_024753.5 (MANE Select); coding-DNA positions 1126 to 1127, GT inserted.
Protein change: p.Asp376fs; shifts the reading frame from aspartic acid 376.
Molecular consequence: frameshift variant.
Genome position: GRCh38 VCF-style: chr2-165929708-T-TAC. GRCh37 (hg19) VCF-style: chr2-166786218-T-TAC.
Other names: short protein forms D376fs.
Identifiers: ClinVar variation 1904546 (VCV001904546.6), dbSNP rs1686814382, ClinGen allele CA1038832821.
Genomic context (GRCh38, chr2:165,929,708, plus strand): 5'-ACCGCAGATTTTCCAATGGATTGCTGGATTTCATTTAAAAATTCTAGCTGCTGATCTGCA[T>TAC]CCTGTAATTGCCCTTCTATCAACTGACATTGGATAAATCCTAAAATCAAACAGCAGAAAG-3'

ClinVar aggregate classification (germline): Pathogenic. Review status: criteria provided, multiple submitters, no conflicts (2 of 4 stars). 2 submissions from 2 submitters: Pathogenic (2). Last evaluated 2024-09-28.

Conditions:
Jeune thoracic dystrophy. Also called: Short-rib thoracic dysplasia; Jeune syndrome; Infantile thoracic dystrophy; Thoracic pelvic phalangeal dystrophy; Jeune's syndrome; Chondroectodermal dysplasia-like syndrome. Identifiers: Orphanet 474, MedGen C0265275, MONDO:0018770.
Nephronophthisis. Also called: Juvenile Nephronophthisis. Identifiers: Orphanet 655, MedGen C0687120, MONDO:0019005, HP:0000090.
Nephronophthisis 12 (NPHP12). Identifiers: Orphanet 655, MedGen C3151186, MONDO:0013442, OMIM 613820.

Allele frequency attached by ClinVar (database versions not stated): TOPMed below 0.00001; gnomAD 0.00001.

Submissions (2):

3billion
Classification: Pathogenic for Nephronophthisis 12. Last evaluated: 2024-09-28. Review status: criteria provided, single submitter. Criteria: ACMG Guidelines, 2015. Collection method: clinical testing. Allele origin: germline. Affected: yes.
Comment: The variant is observed at an extremely low frequency in the gnomAD v4.1.0 dataset (total allele frequency: <0.001%). Predicted Consequence/Location: Frameshift: predicted to result in a loss or disruption of normal protein function through nonsense-mediated decay (NMD) or protein truncation. Multiple pathogenic variants are reported downstream of the variant. The variant has been reported to be associated with TTC21B related disorder (ClinVar ID: VCV001904546). Therefore, this variant is classified as Pathogenic according to the recommendation of ACMG/AMP guideline.

Labcorp Genetics (formerly Invitae), Labcorp
Classification: Pathogenic for Jeune thoracic dystrophy; Nephronophthisis. Last evaluated: 2023-05-23. Review status: criteria provided, single submitter. Criteria: Invitae Variant Classification Sherloc (09022015). Collection method: clinical testing. Allele origin: germline.
Comment: This sequence change creates a premature translational stop signal (p.Asp376Glyfs*7) in the TTC21B gene. It is expected to result in an absent or disrupted protein product. Loss-of-function variants in TTC21B are known to be pathogenic (PMID: 18327258, 21068128, 21258341, 23559409, 24876116, 25492405, 27491411, 29068549). This variant is not present in population databases (gnomAD no frequency). This variant has not been reported in the literature in individuals affected with TTC21B-related conditions. ClinVar contains an entry for this variant (Variation ID: 1904546). Algorithms developed to predict the effect of sequence changes on RNA splicing suggest that this variant may disrupt the consensus splice site. For these reasons, this variant has been classified as Pathogenic.

Literature cited by the submitters: PubMed 18327258 (cited by Labcorp Genetics (formerly Invitae), Labcorp); PubMed 21068128 (cited by Labcorp Genetics (formerly Invitae), Labcorp); PubMed 21258341 (cited by Labcorp Genetics (formerly Invitae), Labcorp); PubMed 23559409 (cited by Labcorp Genetics (formerly Invitae), Labcorp); PubMed 24876116 (cited by Labcorp Genetics (formerly Invitae), Labcorp); PubMed 25492405 (cited by Labcorp Genetics (formerly Invitae), Labcorp); PubMed 27491411 (cited by Labcorp Genetics (formerly Invitae), Labcorp); PubMed 29068549 (cited by Labcorp Genetics (formerly Invitae), Labcorp).